The following is an entry in ClinVar:

ClinVar aggregate classification (germline): Likely benign (1 of 4 stars; one submission).

Submission:

GeneDx
Classification: Likely benign. Last evaluated: 2013-10-16. Review status: criteria provided, single submitter. Criteria: GeneDx Variant Classification (06012015). Collection method: clinical testing. Allele origin: germline. Affected: yes.
Comment: This variant is considered likely benign or benign based on one or more of the following criteria: it is a conservative change, it occurs at a poorly conserved position in the protein, it is predicted to be benign by multiple in silico algorithms, and/or has population frequency not consistent with disease.

NM_003119.4(SPG7):c.2311C>G (p.Gln771Glu)

Gene: SPG7 (SPG7 matrix AAA peptidase subunit, paraplegin; plus strand). Cytogenetic location: 16q24.3.
Variant type: single nucleotide variant.
Coding change: c.2311C>G on transcript NM_003119.4 (MANE Select); coding-DNA position 2311, C replaced by G.
Protein change: p.Gln771Glu; replaces glutamine 771 with glutamic acid.
Molecular consequence: missense variant. On other transcripts: 3 prime UTR variant (1).
Genome position (GRCh38, 1-based): chr16:89,557,016, C>G. VCF-style: chr16-89557016-C-G. GRCh37 (hg19) VCF-style: chr16-89623424-C-G.
Other names: p.Q771E:CAG>GAG; c.*89C>G (NM_001363850.1); short protein forms Q771E.
Identifiers: ClinVar variation 215196 (VCV000215196.3), dbSNP rs863224214, ClinGen allele CA322895.